The following is an entry in ClinVar:

NM_020207.7(ERCC6L2):c.905C>T (p.Thr302Ile)

Gene: ERCC6L2 (ERCC excision repair 6 like 2; plus strand). Cytogenetic location: 9q22.32.
Variant type: single nucleotide variant.
Coding change: c.905C>T on transcript NM_020207.7 (MANE Select); coding-DNA position 905, C replaced by T.
Protein change: p.Thr302Ile; replaces threonine 302 with isoleucine.
Molecular consequence: missense variant. On other transcripts: non-coding transcript variant (1).
Genome position (GRCh38, 1-based): chr9:95,915,784, C>T. VCF-style: chr9-95915784-C-T. GRCh37 (hg19) VCF-style: chr9-98678066-C-T.
Other names: c.905C>T, p.Thr302Ile (NM_001010895.4, NM_001375291.1, NM_001375292.1 and 2 more transcripts); short protein forms T302I.
Identifiers: ClinVar variation 1411415 (VCV001411415.9), dbSNP rs761217108, ClinGen allele CA196571240.

ClinVar aggregate classification (germline): Uncertain significance. Review status: criteria provided, multiple submitters, no conflicts (2 of 4 stars). 3 submissions from 3 submitters: Uncertain significance (3). Last evaluated 2025-07-21.

Conditions:
Inborn genetic diseases. Identifiers: MedGen C0950123, MeSH D030342.

Allele frequency attached by ClinVar (database versions not stated): gnomAD exomes below 0.00001; gnomAD 0.00001; TOPMed 0.00001.
gnomAD v4.1: 7 of 1,613,582 alleles (0.00043%); highest among the groups gnomAD compares: Admixed American, 0.0017%; no homozygotes.

Submissions (3):

Labcorp Genetics (formerly Invitae), Labcorp
Classification: Uncertain significance. Last evaluated: 2025-07-21. Review status: criteria provided, single submitter. Criteria: Invitae Variant Classification Sherloc (09022015). Collection method: clinical testing. Allele origin: germline.
Comment: This sequence change replaces threonine, which is neutral and polar, with isoleucine, which is neutral and non-polar, at codon 313 of the ERCC6L2 protein (p.Thr313Ile). The frequency data for this variant in the population databases is considered unreliable, as metrics indicate poor data quality at this position in the gnomAD database. This variant has not been reported in the literature in individuals affected with ERCC6L2-related conditions. ClinVar contains an entry for this variant (Variation ID: 1411415). Experimental studies and prediction algorithms are not available or were not evaluated, and the functional significance of this variant is currently unknown. In summary, the available evidence is currently insufficient to determine the role of this variant in disease. Therefore, it has been classified as a Variant of Uncertain Significance.

Ambry Genetics
Classification: Uncertain significance for Inborn genetic diseases. Last evaluated: 2024-11-23. Review status: criteria provided, single submitter. Criteria: Ambry Variant Classification Scheme 2023. Collection method: clinical testing. Allele origin: germline.
Comment: The p.T302I variant (also known as c.905C>T), located in coding exon 5 of the ERCC6L2 gene, results from a C to T substitution at nucleotide position 905. The threonine at codon 302 is replaced by isoleucine, an amino acid with similar properties. This amino acid position is conserved. In addition, this alteration is predicted to be deleterious by in silico analysis. Based on the available evidence, the clinical significance of this variant remains unclear.

Blueprint Genetics
Classification: Uncertain significance. Last evaluated: 2021-03-22. Review status: criteria provided, single submitter. Criteria: ACMG Guidelines, 2015. Collection method: clinical testing. Allele origin: germline.